The following is an entry in ClinVar:

ClinVar aggregate classification (germline): Uncertain significance. Review status: criteria provided, multiple submitters, no conflicts (2 of 4 stars). 2 submissions from 2 submitters: Uncertain significance (2). Last evaluated 2025-12-02.

Conditions:
CACNA1D-related disorder.

Submissions (2):

PreventionGenetics, part of Exact Sciences
Classification: Uncertain significance for CACNA1D-related condition. Last evaluated: 2025-12-02. Review status: criteria provided, single submitter. Criteria: ACMG Guidelines, 2015. Collection method: clinical testing. Allele origin: germline.
Comment: The CACNA1D c.5681G>C variant is predicted to result in the amino acid substitution p.Arg1894Thr. To our knowledge, this variant has not been reported in the literature or in a large population database (gnomAD), indicating this variant is rare. At this time, the clinical significance of this variant is uncertain due to the absence of conclusive functional and genetic evidence.

Labcorp Genetics (formerly Invitae), Labcorp
Classification: Uncertain significance. Last evaluated: 2025-06-06. Review status: criteria provided, single submitter. Criteria: Invitae Variant Classification Sherloc (09022015). Collection method: clinical testing. Allele origin: germline.
Comment: This sequence change replaces arginine, which is basic and polar, with threonine, which is neutral and polar, at codon 1894 of the CACNA1D protein (p.Arg1894Thr). This variant is not present in population databases (gnomAD no frequency). This variant has not been reported in the literature in individuals affected with CACNA1D-related conditions. An algorithm developed to predict the effect of missense changes on protein structure and function (PolyPhen-2) suggests that this variant is likely to be tolerated. In summary, the available evidence is currently insufficient to determine the role of this variant in disease. Therefore, it has been classified as a Variant of Uncertain Significance.

NM_001128840.3(CACNA1D):c.5621G>C (p.Arg1874Thr)

Gene: CACNA1D (calcium voltage-gated channel subunit alpha1 D; plus strand). Cytogenetic location: 3p21.1.
Variant type: single nucleotide variant.
Coding change: c.5621G>C on transcript NM_001128840.3 (MANE Select); coding-DNA position 5621, G replaced by C.
Protein change: p.Arg1874Thr; replaces arginine 1874 with threonine.
Molecular consequence: missense variant.
Genome position (GRCh38, 1-based): chr3:53,805,018, G>C. VCF-style: chr3-53805018-G-C. GRCh37 (hg19) VCF-style: chr3-53839045-G-C.
Other names: c.5681G>C, p.Arg1894Thr (NM_000720.4); c.5549G>C, p.Arg1850Thr (NM_001128839.3); c.5681G>C (NM_000720.3); short protein forms R1850T, R1874T, R1894T.
Identifiers: ClinVar variation 4696452 (VCV004696452.2).
Genomic context (GRCh38, chr3:53,805,018, plus strand): 5'-TACTGCCCTCCTCTCTGACCTCCAGGCAAAACTATGGCTACTACAGCAGATACCCAGGCA[G>C]AAACATCGACTCTGAGAGGCCCCGAGGCTACCATCATCCCCAAGGATTCTTGGAGGACGA-3'
Protein context (NP_001122312.1, residues 1864-1884): NYGYYSRYPG[Arg1874Thr]NIDSERPRGY